The following is an entry in ClinVar:

NM_032638.5(GATA2):c.579dup (p.Ala194fs)

Gene: GATA2 (GATA binding protein 2; minus strand). Cytogenetic location: 3q21.3.
Variant type: Duplication.
Coding change: c.579dup on transcript NM_032638.5 (MANE Select); coding-DNA position 579, one base duplicated (A; older notation c.579dupA).
Protein change: p.Ala194fs; shifts the reading frame from alanine 194.
Molecular consequence: frameshift variant.
Genome position (GRCh38, 1-based): chr3:128,486,019, T duplicated on the plus strand (A on the coding strand, the reverse complement: GATA2 is on the minus strand). VCF-style (leftmost placement, unchanged base first): chr3-128486018-C-CT. GRCh37 (hg19) VCF-style: chr3-128204861-C-CT.
Other names: c.579dup, p.Ala194fs (NM_001145661.2, NM_001145662.1); short protein forms A194fs.
Identifiers: ClinVar variation 1184211 (VCV001184211.1), dbSNP rs2107672336, ClinGen allele CA1139532787.

ClinVar aggregate classification (germline): Pathogenic (1 of 4 stars; one submission).

Conditions:
Deafness-lymphedema-leukemia syndrome. Also called: Emberger syndrome; Lymphedema, primary, with myelodysplasia. Identifiers: Orphanet 3226, MedGen C3279664, MONDO:0013540, OMIM 614038.
GATA2 deficiency with susceptibility to MDS/AML. Identifiers: MedGen CN300066, MONDO:0042982.

Submission:

Molecular Pathology Research Laboratory, SA Pathology
Classification: Pathogenic for GATA2 deficiency with susceptibility to MDS/AML; Deafness-lymphedema-leukemia syndrome. Last evaluated: 2021-07-06. Review status: criteria provided, single submitter. Criteria: ACMG Guidelines, 2015. Collection method: curation. Allele origin: de novo. Inheritance: Autosomal dominant inheritance. Affected: yes. Observed: 1 variant allele.
Comment: PVS1, PS2, PS4_Supporting, PM2

Literature cited by the submitters: PubMed 21892158.